The following is an entry in ClinVar:

NM_000426.4(LAMA2):c.830C>A (p.Ser277Ter)

Gene: LAMA2 (laminin subunit alpha 2; plus strand). Cytogenetic location: 6q22.33.
Variant type: single nucleotide variant.
Coding change: c.830C>A on transcript NM_000426.4 (MANE Select); coding-DNA position 830, C replaced by A.
Protein change: p.Ser277Ter; replaces serine 277 with a stop codon.
Molecular consequence: nonsense.
Genome position (GRCh38, 1-based): chr6:129,146,969, C>A. VCF-style: chr6-129146969-C-A. GRCh37 (hg19) VCF-style: chr6-129468114-C-A.
Other names: c.830C>A, p.Ser277Ter (NM_001079823.2); short protein forms S277*.
Identifiers: ClinVar variation 5015979 (VCV005015979.1).

ClinVar aggregate classification (germline): Pathogenic (1 of 4 stars; one submission).

Conditions:
LAMA2-related muscular dystrophy (LAMA2-RD). Also called: Laminin alpha 2-related dystrophy. Identifiers: MedGen C5679788, MONDO:0100228.

gnomAD v4.1: 1 of 1,607,702 alleles (0.000062%); highest among the groups gnomAD compares: Non-Finnish European, 0.000085%; no homozygotes.

Submission:

Myriad Genetics, Inc.
Classification: Pathogenic for LAMA2-related muscular dystrophy. Last evaluated: 2026-05-30. Review status: criteria provided, single submitter. Criteria: Myriad Autosomal Dominant, Autosomal Recessive and X-Linked Classification Criteria (2023). Collection method: clinical testing. Allele origin: unknown.
Comment: NM_000426.3(LAMA2):c.830C>A(S277*) is expected to be pathogenic in the context of muscular dystrophy, LAMA2-related. This variant is predicted to lead to an abnormal or absent protein product due to the creation of a premature termination codon in LAMA2, a gene where loss-of-function variants are known to be pathogenic. Please note: this variant was assessed in the context of healthy population screening.